The following is an entry in ClinVar:

NM_001283009.2(RTEL1):c.3638C>T (p.Ala1213Val)

Genes: RTEL1 (regulator of telomere elongation helicase 1; plus strand), RTEL1-TNFRSF6B (RTEL1-TNFRSF6B readthrough (NMD candidate); plus strand). Cytogenetic location: 20q13.33.
Variant type: single nucleotide variant.
Coding change: c.3638C>T on transcript NM_001283009.2 (MANE Select); coding-DNA position 3638, C replaced by T.
Protein change: p.Ala1213Val; replaces alanine 1213 with valine.
Molecular consequence: missense variant. On other transcripts: non-coding transcript variant (1).
Genome position (GRCh38, 1-based): chr20:63,695,466, C>T. VCF-style: chr20-63695466-C-T. GRCh37 (hg19) VCF-style: chr20-62326819-C-T.
Other names: c.2969C>T, p.Ala990Val (NM_001283010.1); c.3638C>T, p.Ala1213Val (NM_016434.4); c.3710C>T, p.Ala1237Val (NM_032957.5); short protein forms A1213V, A1237V, A990V.
Identifiers: ClinVar variation 4863524 (VCV004863524.1).

ClinVar aggregate classification (germline): Uncertain significance (1 of 4 stars; one submission).

Conditions:
Inborn genetic diseases. Identifiers: MedGen C0950123, MeSH D030342.

gnomAD v4.1: 3 of 1,600,128 alleles (0.00019%); highest among the groups gnomAD compares: South Asian, 0.0022%; 1 homozygote.

Submission:

Ambry Genetics
Classification: Uncertain significance for Inborn genetic diseases. Last evaluated: 2026-03-24. Review status: criteria provided, single submitter. Criteria: Ambry Variant Classification Scheme 2023. Collection method: clinical testing. Allele origin: germline.
Comment: The p.A1213V variant (also known as c.3638C>T), located in coding exon 33 of the RTEL1 gene, results from a C to T substitution at nucleotide position 3638. The alanine at codon 1213 is replaced by valine, an amino acid with similar properties. This amino acid position is conserved. In addition, this alteration is predicted to be tolerated by in silico analysis. Based on the available evidence, the clinical significance of this variant remains unclear.